The following is an entry in ClinVar:

NM_178822.5(IGSF10):c.7273A>C (p.Ile2425Leu)

Gene: IGSF10 (immunoglobulin superfamily member 10; minus strand). Cytogenetic location: 3q25.1.
Variant type: single nucleotide variant.
Coding change: c.7273A>C on transcript NM_178822.5 (MANE Select); coding-DNA position 7273, A replaced by C.
Protein change: p.Ile2425Leu; replaces isoleucine 2425 with leucine.
Molecular consequence: missense variant.
Genome position (GRCh38, 1-based): chr3:151,437,288, T>G on the plus strand (A>C on the coding strand, the complement: IGSF10 is on the minus strand). VCF-style: chr3-151437288-T-G. GRCh37 (hg19) VCF-style: chr3-151155076-T-G.
Other names: c.1210A>C, p.Ile404Leu (NM_001178145.3, NM_001178146.3); c.7273A>C, p.Ile2425Leu (NM_001385060.1, NM_001385061.1, NM_001385062.1 and 1 more transcripts); short protein forms I2425L, I404L.
Identifiers: ClinVar variation 2458905 (VCV002458905.6), dbSNP rs144086705, ClinGen allele CA2669320.

ClinVar aggregate classification (germline): Uncertain significance. Review status: criteria provided, multiple submitters, no conflicts (2 of 4 stars). 2 submissions from 2 submitters: Uncertain significance (2). Last evaluated 2025-11-06.

Allele frequency attached by ClinVar (database versions not stated): ESP Exome Variant Server 0.00015; ExAC 0.00005.
gnomAD v4.1: 125 of 1,614,080 alleles (0.0077%); highest among the groups gnomAD compares: Middle Eastern, 0.3%; no homozygotes.

Submissions (2):

Labcorp Genetics (formerly Invitae), Labcorp
Classification: Uncertain significance. Last evaluated: 2025-11-06. Review status: criteria provided, single submitter. Criteria: Invitae Variant Classification Sherloc (09022015). Collection method: clinical testing. Allele origin: germline.
Comment: This sequence change replaces isoleucine, which is neutral and non-polar, with leucine, which is neutral and non-polar, at codon 2425 of the IGSF10 protein (p.Ile2425Leu). This variant is present in population databases (rs144086705, gnomAD 0.02%). This variant has not been reported in the literature in individuals affected with IGSF10-related conditions. ClinVar contains an entry for this variant (Variation ID: 2458905). An algorithm developed to predict the effect of missense changes on protein structure and function outputs the following: PolyPhen-2: "Benign". The leucine amino acid residue is found in multiple mammalian species, which suggests that this missense change does not adversely affect protein function. In summary, the available evidence is currently insufficient to determine the role of this variant in disease. Therefore, it has been classified as a Variant of Uncertain Significance.

Ambry Genetics
Classification: Uncertain significance. Last evaluated: 2025-10-24. Review status: criteria provided, single submitter. Criteria: Ambry Variant Classification Scheme 2023. Collection method: clinical testing. Allele origin: germline.